The following is an entry in ClinVar:

NM_006904.7(PRKDC):c.11952G>T (p.Met3984Ile)

Gene: PRKDC (protein kinase, DNA-activated, catalytic subunit; minus strand). Cytogenetic location: 8q11.21.
Variant type: single nucleotide variant.
Coding change: c.11952G>T on transcript NM_006904.7 (MANE Select); coding-DNA position 11952, G replaced by T.
Protein change: p.Met3984Ile; replaces methionine 3984 with isoleucine.
Molecular consequence: missense variant.
Genome position (GRCh38, 1-based): chr8:47,777,776, C>A on the plus strand (G>T on the coding strand, the complement: PRKDC is on the minus strand). VCF-style: chr8-47777776-C-A. GRCh37 (hg19) VCF-style: chr8-48690337-C-A.
Other names: c.11859G>T, p.Met3953Ile (NM_001081640.2); short protein forms M3953I, M3984I.
Identifiers: ClinVar variation 1745747 (VCV001745747.2), dbSNP rs2551859700, ClinGen allele CA371128191.

ClinVar aggregate classification (germline): Uncertain significance (1 of 4 stars; one submission).

Submission:

Ambry Genetics
Classification: Uncertain significance. Last evaluated: 2022-08-13. Review status: criteria provided, single submitter. Criteria: Ambry Variant Classification Scheme 2023. Collection method: clinical testing. Allele origin: germline.
Comment: The p.M3984I variant (also known as c.11952G>T), located in coding exon 84 of the PRKDC gene, results from a G to T substitution at nucleotide position 11952. The methionine at codon 3984 is replaced by isoleucine, an amino acid with highly similar properties. This amino acid position is conserved. In addition, the in silico prediction for this alteration is inconclusive. Since supporting evidence is limited at this time, the clinical significance of this alteration remains unclear.